The following is an entry in ClinVar:

ClinVar aggregate classification (germline): Uncertain significance (1 of 4 stars; one submission).

Conditions:
Xeroderma pigmentosum, group F (XPF). Also called: XERODERMA PIGMENTOSUM, COMPLEMENTATION GROUP F; XERODERMA PIGMENTOSUM VI; XP, GROUP F; ERCC4-Related Xeroderma Pigmentosum; XERODERMA PIGMENTOSUM, TYPE F; Xeroderma pigmentosum, type 6. Identifiers: MedGen C0268140, MONDO:0010215, OMIM 278760.
Fanconi anemia complementation group Q. Identifiers: Orphanet 84, MedGen C3808988, MONDO:0014108, OMIM 615272.
Cockayne syndrome. Identifiers: Orphanet 191, MedGen C0009207, MONDO:0016006.

Submission:

Labcorp Genetics (formerly Invitae), Labcorp
Classification: Uncertain significance for Fanconi anemia complementation group Q; Xeroderma pigmentosum, group F; Cockayne syndrome. Last evaluated: 2023-04-12. Review status: criteria provided, single submitter. Criteria: Invitae Variant Classification Sherloc (09022015). Collection method: clinical testing. Allele origin: germline.
Comment: This variant is not present in population databases (gnomAD no frequency). In summary, the available evidence is currently insufficient to determine the role of this variant in disease. Therefore, it has been classified as a Variant of Uncertain Significance. Advanced modeling of protein sequence and biophysical properties (such as structural, functional, and spatial information, amino acid conservation, physicochemical variation, residue mobility, and thermodynamic stability) performed at Invitae indicates that this missense variant is expected to disrupt ERCC4 protein function. This variant has not been reported in the literature in individuals affected with ERCC4-related conditions. This sequence change replaces aspartic acid, which is acidic and polar, with asparagine, which is neutral and polar, at codon 731 of the ERCC4 protein (p.Asp731Asn).

NM_005236.3(ERCC4):c.2191G>A (p.Asp731Asn)

Gene: ERCC4 (ERCC excision repair 4, endonuclease catalytic subunit; plus strand). Cytogenetic location: 16p13.12.
Variant type: single nucleotide variant.
Coding change: c.2191G>A on transcript NM_005236.3 (MANE Select); coding-DNA position 2191, G replaced by A.
Protein change: p.Asp731Asn; replaces aspartic acid 731 with asparagine.
Molecular consequence: missense variant.
Genome position (GRCh38, 1-based): chr16:13,947,787, G>A. VCF-style: chr16-13947787-G-A. GRCh37 (hg19) VCF-style: chr16-14041644-G-A.
Other names: short protein forms D731N.
Identifiers: ClinVar variation 2946624 (VCV002946624.3), dbSNP rs2141620101, ClinGen allele CA394822413.
Genomic context (GRCh38, chr16:13,947,787, plus strand): 5'-TTAGAGGTTGGAGATTACATCCTCACTCCAGAAATGTGCGTGGAGCGCAAGAGTATCAGT[G>A]ATTTAATCGGCTCTTTAAATAACGGCCGCCTCTACAGCCAGTGCATCTCCATGTCCCGCT-3'
Protein context (NP_005227.1, residues 721-741): EMCVERKSIS[Asp731Asn]LIGSLNNGRL